The following is an entry in ClinVar:

NM_000316.3(PTH1R):c.763C>A (p.Arg255Ser)

Gene: PTH1R (parathyroid hormone 1 receptor; plus strand). Cytogenetic location: 3p21.31.
Variant type: single nucleotide variant.
Coding change: c.763C>A on transcript NM_000316.3 (MANE Select); coding-DNA position 763, C replaced by A.
Protein change: p.Arg255Ser; replaces arginine 255 with serine.
Molecular consequence: missense variant.
Genome position (GRCh38, 1-based): chr3:46,898,786, C>A. VCF-style: chr3-46898786-C-A. GRCh37 (hg19) VCF-style: chr3-46940276-C-A.
Other names: c.763C>A, p.Arg255Ser (NM_001184744.1); short protein forms R255S.
Identifiers: ClinVar variation 4714771 (VCV004714771.1).

ClinVar aggregate classification (germline): Uncertain significance (1 of 4 stars; one submission).

gnomAD v4.1: 1 of 1,600,450 alleles (0.000062%); no homozygotes.

Submission:

Labcorp Genetics (formerly Invitae), Labcorp
Classification: Uncertain significance. Last evaluated: 2025-03-10. Review status: criteria provided, single submitter. Criteria: Invitae Variant Classification Sherloc (09022015). Collection method: clinical testing. Allele origin: germline.
Comment: This sequence change replaces arginine, which is basic and polar, with serine, which is neutral and polar, at codon 255 of the PTH1R protein (p.Arg255Ser). This variant is not present in population databases (gnomAD no frequency). This variant has not been reported in the literature in individuals affected with PTH1R-related conditions. An algorithm developed to predict the effect of missense changes on protein structure and function (PolyPhen-2) suggests that this variant is likely to be tolerated. In summary, the available evidence is currently insufficient to determine the role of this variant in disease. Therefore, it has been classified as a Variant of Uncertain Significance.